The following is an entry in ClinVar:

ClinVar aggregate classification (germline): Uncertain significance (0 of 4 stars; one submission).

Conditions:
GLI2-related disorder. Also called: GLI2-related condition; GLI2-related disorders.

gnomAD v4.1: 8 of 1,494,082 alleles (0.00054%); highest among the groups gnomAD compares: Middle Eastern, 0.018%; no homozygotes.

Submission:

PreventionGenetics, part of Exact Sciences
Classification: Uncertain significance for GLI2-related condition. Last evaluated: 2024-07-16. Review status: no assertion criteria provided. Collection method: clinical testing. Allele origin: germline.
Comment: The GLI2 c.2948G>T variant is predicted to result in the amino acid substitution p.Arg983Leu. To our knowledge, this variant has not been reported in the literature or in a large population database, indicating this variant is rare. At this time, the clinical significance of this variant is uncertain due to the absence of conclusive functional and genetic evidence.

NM_001374353.1(GLI2):c.2897G>T (p.Arg966Leu)

Gene: GLI2 (GLI family zinc finger 2; plus strand). Cytogenetic location: 2q14.2.
Variant type: single nucleotide variant.
Coding change: c.2897G>T on transcript NM_001374353.1 (MANE Select); coding-DNA position 2897, G replaced by T.
Protein change: p.Arg966Leu; replaces arginine 966 with leucine.
Molecular consequence: missense variant.
Genome position (GRCh38, 1-based): chr2:120,988,862, G>T. VCF-style: chr2-120988862-G-T. GRCh37 (hg19) VCF-style: chr2-121746438-G-T.
Other names: c.2948G>T, p.Arg983Leu (NM_001371271.1, NM_005270.5); c.2522G>T, p.Arg841Leu (NM_001374354.1); short protein forms R841L, R966L, R983L.
Identifiers: ClinVar variation 3352782 (VCV003352782.1).